The following is an entry in ClinVar:

NM_002617.4(PEX10):c.120G>T (p.Arg40Ser)

Gene: PEX10 (peroxisomal biogenesis factor 10; minus strand). Cytogenetic location: 1p36.32.
Variant type: single nucleotide variant.
Coding change: c.120G>T on transcript NM_002617.4 (MANE Select); coding-DNA position 120, G replaced by T.
Protein change: p.Arg40Ser; replaces arginine 40 with serine.
Molecular consequence: missense variant. On other transcripts: 5 prime UTR variant (2), non-coding transcript variant (1).
Genome position (GRCh38, 1-based): chr1:2,410,444, C>A on the plus strand (G>T on the coding strand, the complement: PEX10 is on the minus strand). VCF-style: chr1-2410444-C-A. GRCh37 (hg19) VCF-style: chr1-2341883-C-A.
Other names: c.120G>T, p.Arg40Ser (NM_001374425.1, NM_153818.2); c.-313G>T (NM_001374426.1, NM_001374427.1); short protein forms R40S.
Identifiers: ClinVar variation 1441647 (VCV001441647.5), dbSNP rs1363831554, ClinGen allele CA337989528.
Genomic context (GRCh38, chr1:2,410,444, plus strand): 5'-GAGGCCAAAGTAGGCCACATCTGAGAGCAGCTCAACCTCCTTCCTCCACTCCAGCCACTT[C>A]CTCGCACCTGAGAGGAGAAACAGTATTAGTCCGGGGGAGCTGGTGGGCATCCTCTGAGGA-3'
Protein context (NP_002608.1, residues 30-50): GGALHSLAGA[Arg40Ser]KWLEWRKEVE

ClinVar aggregate classification (germline): Uncertain significance (1 of 4 stars; one submission).

Conditions:
Peroxisome biogenesis disorder, complementation group 7 (CG7). Also called: Peroxisome biogenesis disorder, complementation group B. Identifiers: MedGen C1864399.

Allele frequency attached by ClinVar (database versions not stated): gnomAD 0.00001; gnomAD exomes 0.00001.
gnomAD v4.1: 2 of 1,613,948 alleles (0.00012%); highest among the groups gnomAD compares: Non-Finnish European, 0.00017%; no homozygotes.

Submission:

Labcorp Genetics (formerly Invitae), Labcorp
Classification: Uncertain significance for Peroxisome biogenesis disorder, complementation group 7. Last evaluated: 2021-09-17. Review status: criteria provided, single submitter. Criteria: Invitae Variant Classification Sherloc (09022015). Collection method: clinical testing. Allele origin: germline.
Comment: This sequence change replaces arginine with serine at codon 40 of the PEX10 protein (p.Arg40Ser). The arginine residue is weakly conserved and there is a moderate physicochemical difference between arginine and serine. This variant is not present in population databases (ExAC no frequency). This variant has not been reported in the literature in individuals with PEX10-related conditions. Algorithms developed to predict the effect of missense changes on protein structure and function are either unavailable or do not agree on the potential impact of this missense change (SIFT: "Tolerated"; PolyPhen-2: "Possibly Damaging"; Align-GVGD: "Class C0"). Algorithms developed to predict the effect of sequence changes on RNA splicing suggest that this variant may create or strengthen a splice site, but this prediction has not been confirmed by published transcriptional studies. In summary, the available evidence is currently insufficient to determine the role of this variant in disease. Therefore, it has been classified as a Variant of Uncertain Significance.